The following is an entry in ClinVar:

ClinVar aggregate classification (germline): Uncertain significance. Review status: criteria provided, multiple submitters, no conflicts (2 of 4 stars). 2 submissions from 2 submitters: Uncertain significance (2). Last evaluated 2023-06-11.

Conditions:
Schuurs-Hoeijmakers syndrome. Also called: PACS1-Related Neurodevelopmental Disorder. Identifiers: Orphanet 329224, MedGen C3554343, MONDO:0014006, OMIM 615009.

Allele frequency attached by ClinVar (database versions not stated): gnomAD exomes below 0.00001.
gnomAD v4.1: 1 of 1,611,138 alleles (0.000062%); highest among the groups gnomAD compares: Admixed American, 0.0017%; no homozygotes.

Submissions (2):

GeneDx
Classification: Uncertain significance. Last evaluated: 2023-06-11. Review status: criteria provided, single submitter. Criteria: GeneDx Variant Classification Process June 2021. Collection method: clinical testing. Allele origin: germline. Affected: yes.
Comment: Not observed at significant frequency in large population cohorts (gnomAD); In silico analysis supports that this missense variant does not alter protein structure/function; Has not been previously published as pathogenic or benign to our knowledge

Labcorp Genetics (formerly Invitae), Labcorp
Classification: Uncertain significance for Schuurs-Hoeijmakers syndrome. Last evaluated: 2022-09-06. Review status: criteria provided, single submitter. Criteria: Invitae Variant Classification Sherloc (09022015). Collection method: clinical testing. Allele origin: germline.
Comment: Algorithms developed to predict the effect of missense changes on protein structure and function output the following: SIFT: "Tolerated"; PolyPhen-2: "Benign"; Align-GVGD: "Class C0". The glutamic acid amino acid residue is found in multiple mammalian species, which suggests that this missense change does not adversely affect protein function. In summary, the available evidence is currently insufficient to determine the role of this variant in disease. Therefore, it has been classified as a Variant of Uncertain Significance. This variant has not been reported in the literature in individuals affected with PACS1-related conditions. This sequence change replaces aspartic acid, which is acidic and polar, with glutamic acid, which is acidic and polar, at codon 449 of the PACS1 protein (p.Asp449Glu). This variant is not present in population databases (gnomAD no frequency).

NM_018026.4(PACS1):c.1347T>A (p.Asp449Glu)

Gene: PACS1 (phosphofurin acidic cluster sorting protein 1; plus strand). Cytogenetic location: 11q13.2.
Variant type: single nucleotide variant.
Coding change: c.1347T>A on transcript NM_018026.4 (MANE Select); coding-DNA position 1347, T replaced by A.
Protein change: p.Asp449Glu; replaces aspartic acid 449 with glutamic acid.
Molecular consequence: missense variant.
Genome position (GRCh38, 1-based): chr11:66,227,557, T>A. VCF-style: chr11-66227557-T-A. GRCh37 (hg19) VCF-style: chr11-65995028-T-A.
Other names: short protein forms D449E.
Identifiers: ClinVar variation 1723720 (VCV001723720.8), dbSNP rs1020020892, ClinGen allele CA224031063.